The following is an entry in ClinVar:

NM_182931.3(KMT2E):c.1584_1585delinsCT (p.Arg528_Lys529delinsSerTer)

Gene: KMT2E (lysine methyltransferase 2E (inactive); plus strand). Cytogenetic location: 7q22.3.
Variant type: Indel.
Coding change: c.1584_1585delinsCT on transcript NM_182931.3 (MANE Select); coding-DNA positions 1584 to 1585, AA replaced by CT.
Protein change: p.Arg528_Lys529delinsSerTer.
Molecular consequence: nonsense.
Genome position (GRCh38, 1-based): chr7:105,090,234-105,090,235, AA replaced by CT. VCF-style: chr7-105090234-AA-CT. GRCh37 (hg19) VCF-style: chr7-104730681-AA-CT.
Other names: c.1584_1585delinsCT, p.Arg528_Lys529delinsSerTer (NM_018682.4).
Identifiers: ClinVar variation 967711 (VCV000967711.6), dbSNP rs1798145890, ClinGen allele CA1139660167.

ClinVar aggregate classification (germline): Pathogenic (1 of 4 stars; one submission).

Submission:

Labcorp Genetics (formerly Invitae), Labcorp
Classification: Pathogenic. Last evaluated: 2019-12-24. Review status: criteria provided, single submitter. Criteria: Invitae Variant Classification Sherloc (09022015). Collection method: clinical testing. Allele origin: germline.
Comment: For these reasons, this variant has been classified as Pathogenic. Loss-of-function variants in KMT2E are known to be pathogenic (PMID: 31079897). This variant has not been reported in the literature in individuals with KMT2E-related conditions. This variant is not present in population databases (ExAC no frequency). This sequence change creates a premature translational stop signal (p.Arg528Ser) in the KMT2E gene. It is expected to result in an absent or disrupted protein product.

Literature cited by the submitters: PubMed 31079897.